The following is an entry in ClinVar:

NM_004004.6(GJB2):c.-7G>A

Gene: GJB2 (gap junction protein beta 2; minus strand). Cytogenetic location: 13q12.11.
Variant type: single nucleotide variant.
Coding change: c.-7G>A on transcript NM_004004.6 (MANE Select); 7 bases upstream of the start codon, G replaced by A.
Molecular consequence: 5 prime UTR variant.
Genome position (GRCh38, 1-based): chr13:20,189,588, C>T on the plus strand (G>A on the coding strand, the complement: GJB2 is on the minus strand). VCF-style: chr13-20189588-C-T. GRCh37 (hg19) VCF-style: chr13-20763727-C-T.
Identifiers: ClinVar variation 94390 (VCV000094390.11), dbSNP rs398123813, ClinGen allele CA222243.
Genomic context (GRCh38, chr13:20,189,588, plus strand): 5'-GGTGGAGTGTTTGTTCACACCCCCCAGGATCGTCTGCAGCGTGCCCCAATCCATCTTCTA[C>T]TCTGGGCGGTTTGCTCTGGAAAAGACGAATGCACACAACACAGGAATCACTAGCTAGGAC-3'

ClinVar aggregate classification (germline): Uncertain significance. Review status: criteria provided, multiple submitters, no conflicts (2 of 4 stars). 4 submissions from 4 submitters: Uncertain significance (2). 2 of the submissions do not count toward it. Last evaluated 2025-04-04.

Conditions:
Autosomal recessive nonsyndromic hearing loss 1A (DFNB1A). Also called: GJB2-Related Autosomal Recessive Nonsyndromic Hearing Loss; GJB6-Related DFNB 1 Nonsyndromic Hearing Loss and Deafness; Deafness, autosomal recessive 1A; Connexin 26 deafness; Deafness nonsyndromic, Connexin 26 linked; Nonsyndromic Hearing Loss and Deafness, DFNB1. Identifiers: Orphanet 90636, MedGen C2673759, MONDO:0009076, OMIM 220290.

Allele frequency attached by ClinVar (database versions not stated): gnomAD 0.00003; TOPMed 0.00005.
gnomAD v4.1: 21 of 1,613,772 alleles (0.0013%); highest among the groups gnomAD compares: Admixed American, 0.022%; no homozygotes.

Submissions (4):

GeneDx
Classification: Uncertain significance. Last evaluated: 2025-04-04. Review status: criteria provided, single submitter. Criteria: GeneDx Variant Classification Process June 2021. Collection method: clinical testing. Allele origin: germline. Affected: yes.
Comment: Observed in one unaffected control individual and no affected individuals in the published literature, however, additional details were not available (PMID: 27501294); Nucleotide substitution has no predicted effect on splicing and is not conserved across species; Located in a regulatory region; in the absence of functional studies, the actual effect of this sequence change is unknown; This variant is associated with the following publications: (PMID: 27501294)

Eurofins Ntd Llc (ga)
Classification: Uncertain significance. Last evaluated: 2012-07-10. Review status: criteria provided, single submitter. Criteria: EGL Classification Definitions 2015. Collection method: clinical testing. Allele origin: germline. Observed: 1 variant allele, 1 heterozygote.

Natera, Inc.
Classification: Uncertain significance for Autosomal recessive deafness type 1A. Last evaluated: 2020-07-29. Review status: no assertion criteria provided. Collection method: clinical testing. Allele origin: germline. Not counted in ClinVar's aggregate classification.

Counsyl
Classification: Uncertain significance for Autosomal recessive nonsyndromic hearing loss 1A. Last evaluated: 2017-10-03. Review status: no assertion criteria provided. Collection method: clinical testing. Allele origin: unknown. Not counted in ClinVar's aggregate classification.

Literature cited by the submitters: PubMed 27501294 (cited by Counsyl).